The following is an entry in ClinVar:

ClinVar aggregate classification (germline): Uncertain significance (1 of 4 stars; one submission).

Allele frequency attached by ClinVar (database versions not stated): gnomAD exomes below 0.00001.
gnomAD v4.1: 2 of 1,447,824 alleles (0.00014%); highest among the groups gnomAD compares: African/African-American, 0.0015%; no homozygotes.

Submission:

Labcorp Genetics (formerly Invitae), Labcorp
Classification: Uncertain significance. Last evaluated: 2024-04-26. Review status: criteria provided, single submitter. Criteria: Invitae Variant Classification Sherloc (09022015). Collection method: clinical testing. Allele origin: germline.
Comment: This sequence change replaces arginine, which is basic and polar, with histidine, which is basic and polar, at codon 923 of the ARHGEF18 protein (p.Arg923His). This variant is not present in population databases (gnomAD no frequency). This variant has not been reported in the literature in individuals affected with ARHGEF18-related conditions. ClinVar contains an entry for this variant (Variation ID: 1393376). Algorithms developed to predict the effect of missense changes on protein structure and function output the following: SIFT: "Not Available"; PolyPhen-2: "Benign"; Align-GVGD: "Not Available". The histidine amino acid residue is found in multiple mammalian species, which suggests that this missense change does not adversely affect protein function. In summary, the available evidence is currently insufficient to determine the role of this variant in disease. Therefore, it has been classified as a Variant of Uncertain Significance.

NM_001367823.1(ARHGEF18):c.3332G>A (p.Arg1111His)

Gene: ARHGEF18 (Rho/Rac guanine nucleotide exchange factor 18; plus strand). Cytogenetic location: 19p13.2.
Variant type: single nucleotide variant.
Coding change: c.3332G>A on transcript NM_001367823.1 (MANE Select); coding-DNA position 3332, G replaced by A.
Protein change: p.Arg1111His; replaces arginine 1111 with histidine.
Molecular consequence: missense variant.
Genome position (GRCh38, 1-based): chr19:7,467,536, G>A. VCF-style: chr19-7467536-G-A. GRCh37 (hg19) VCF-style: chr19-7532422-G-A.
Other names: c.2606G>A, p.Arg869His (NM_001130955.2); c.2294G>A, p.Arg765His (NM_001367824.1, NM_015318.4); short protein forms R869H, R1111H, R765H.
Identifiers: ClinVar variation 1393376 (VCV001393376.6), dbSNP rs2145912188, ClinGen allele CA403088959.